The following is an entry in ClinVar:

NM_178170.3(NEK8):c.2010C>T (p.Ser670=)

Gene: NEK8 (NIMA related kinase 8; plus strand). Cytogenetic location: 17q11.2.
Variant type: single nucleotide variant.
Coding change: c.2010C>T on transcript NM_178170.3 (MANE Select); coding-DNA position 2010, C replaced by T.
Protein change: p.Ser670=; no amino-acid change (serine 670 retained).
Molecular consequence: synonymous variant.
Genome position (GRCh38, 1-based): chr17:28,741,531, C>T. VCF-style: chr17-28741531-C-T. GRCh37 (hg19) VCF-style: chr17-27068549-C-T.
Identifiers: ClinVar variation 696278 (VCV000696278.10), dbSNP rs566162608, ClinGen allele CA8467616.

ClinVar aggregate classification (germline): Likely benign. Review status: criteria provided, multiple submitters, no conflicts (2 of 4 stars). 4 submissions from 4 submitters: Likely benign (3). 1 of the submissions does not count toward it. Last evaluated 2026-03-01.

Conditions:
NEK8-related disorder. Also called: NEK8-related condition.
Nephronophthisis 9 (NPHP9). Identifiers: Orphanet 655, MedGen C3151188, MONDO:0013444, OMIM 613824.
Renal-hepatic-pancreatic dysplasia 2 (RHPD2). Identifiers: MedGen C3809434, MONDO:0014174, OMIM 615415.

Allele frequency attached by ClinVar (database versions not stated): gnomAD 0.00001 and 0.00003; TOPMed 0.00001; gnomAD exomes 0.00003 and 0.00006; ExAC 0.00006; 1000 Genomes Project 30x 0.00031; 1000 Genomes Project 0.00040.

Submissions (4):

CeGaT Center for Human Genetics Tuebingen
Classification: Likely benign. Last evaluated: 2026-03-01. Review status: criteria provided, single submitter. Criteria: CeGaT Center For Human Genetics Tuebingen Variant Classification Criteria Version 2. Collection method: clinical testing. Allele origin: germline. Affected: yes. Observed: 1 variant allele.
Comment: NEK8: BP4, BP7

Fulgent Genetics
Classification: Likely benign for Nephronophthisis 9; Renal-hepatic-pancreatic dysplasia 2. Last evaluated: 2022-04-27. Review status: criteria provided, single submitter. Criteria: ACMG Guidelines, 2015. Collection method: clinical testing. Allele origin: unknown.

Labcorp Genetics (formerly Invitae), Labcorp
Classification: Likely benign. Last evaluated: 2018-05-21. Review status: criteria provided, single submitter. Criteria: Invitae Variant Classification Sherloc (09022015). Collection method: clinical testing. Allele origin: germline.

PreventionGenetics, part of Exact Sciences
Classification: Likely benign for NEK8-related condition. Last evaluated: 2020-08-25. Review status: no assertion criteria provided. Collection method: clinical testing. Allele origin: germline. Not counted in ClinVar's aggregate classification.
Comment: This variant is classified as likely benign based on ACMG/AMP sequence variant interpretation guidelines (Richards et al. 2015 PMID: 25741868, with internal and published modifications).